The following is an entry in ClinVar:

NM_001754.5(RUNX1):c.731C>T (p.Ala244Val)

Gene: RUNX1 (RUNX family transcription factor 1; minus strand). Cytogenetic location: 21q22.12.
Variant type: single nucleotide variant.
Coding change: c.731C>T on transcript NM_001754.5 (MANE Select); coding-DNA position 731, C replaced by T.
Protein change: p.Ala244Val; replaces alanine 244 with valine.
Molecular consequence: missense variant.
Genome position (GRCh38, 1-based): chr21:34,834,484, G>A on the plus strand (C>T on the coding strand, the complement: RUNX1 is on the minus strand). VCF-style: chr21-34834484-G-A. GRCh37 (hg19) VCF-style: chr21-36206781-G-A.
Other names: NM_001754.5(RUNX1):c.731C>T; p.Ala244Val; c.650C>T, p.Ala217Val (NM_001001890.3, NM_001122607.2); short protein forms A217V, A244V.
Identifiers: ClinVar variation 1692648 (VCV001692648.6), dbSNP rs2146075500, ClinGen allele CA410206802.
Genomic context (GRCh38, chr21:34,834,484, plus strand): 5'-TGAGGCTGAGGGTTAAAGGCAGTGGAGTGGTTCAGGGAGGCACGAGGGTTGGGCGTGGGG[G>A]CTGGGTGGTGTGGGCTGACCCTCATGGCTGTGCGCCGCAGCTGCTCCAGTTCACTGAGCC-3'
Protein context (NP_001745.2, residues 234-254): TAMRVSPHHP[Ala244Val]PTPNPRASLN

ClinVar aggregate classification (germline): Uncertain significance. Review status: reviewed by expert panel (3 of 4 stars). 4 submissions from 4 submitters: Uncertain significance (1). 3 of the submissions do not count toward it. Last evaluated 2024-07-11.

Conditions:
Hereditary thrombocytopenia and hematologic cancer predisposition syndrome. Identifiers: Orphanet 71290, MedGen CN281654, MONDO:0011071.
Hereditary thrombocytopenia and hematological cancer predisposition syndrome associated with RUNX1. Also called: Familial Platelet Disorder with Propensity to Acute Myelogenous Leukemia; Familial thrombocytopenia with propensity to acute myelogenous leukemia; PLATELET DISORDER, ASPIRIN-LIKE; RUNX1 Familial Platelet Disorder with Associated Myeloid Malignancies. Identifiers: Orphanet 71290, MedGen C1832388, MeSH C563324, MONDO:0100083, OMIM 601399.
Hereditary cancer-predisposing syndrome. Also called: Tumor predisposition; Hereditary neoplastic syndrome; Neoplastic Syndromes, Hereditary; Hereditary Cancer Syndrome. Identifiers: Orphanet 140162, MedGen C0027672, MeSH D009386, MONDO:0015356.
Inborn genetic diseases. Identifiers: MedGen C0950123, MeSH D030342.

Submissions (4):

ClinGen Myeloid Malignancy Variant Curation Expert Panel
Classification: Uncertain significance for Hereditary thrombocytopenia and hematologic cancer predisposition syndrome. Last evaluated: 2024-07-11. Review status: reviewed by expert panel. Criteria: ClinGen MyeloMalig ACMG Specifications v2. Collection method: curation. Allele origin: germline. Inheritance: Autosomal dominant inheritance.
Comment: NM_001754.5(RUNX1): c.731C>T (p.Ala244Val) is a missense variant which is completely absent from all population databases with at least 20x coverage for RUNX1 (PM2_Supporting). In summary, the clinical significance of this variant is uncertain. ACMG/AMP criteria applied, as specified by the Myeloid Malignancy Variant Curation Expert Panel for RUNX1: PM2_supporting.

Ambry Genetics
Classification: Uncertain significance for Inborn genetic diseases. Last evaluated: 2026-08-14. Review status: criteria provided, single submitter. Criteria: Ambry Variant Classification Scheme 2023. Collection method: clinical testing. Allele origin: germline. Not counted in ClinVar's aggregate classification.
Comment: The p.A244V variant (also known as c.731C>T), located in coding exon 6 of the RUNX1 gene, results from a C to T substitution at nucleotide position 731. The alanine at codon 244 is replaced by valine, an amino acid with similar properties. This amino acid position is well conserved in available vertebrate species. In addition, the in silico prediction for this alteration is inconclusive. Based on the available evidence, the clinical significance of this variant remains unclear.

Labcorp Genetics (formerly Invitae), Labcorp
Classification: Uncertain significance for Hereditary thrombocytopenia and hematological cancer predisposition syndrome associated with RUNX1. Last evaluated: 2023-10-22. Review status: criteria provided, single submitter. Criteria: Invitae Variant Classification Sherloc (09022015). Collection method: clinical testing. Allele origin: germline. Not counted in ClinVar's aggregate classification.
Comment: This sequence change replaces alanine, which is neutral and non-polar, with valine, which is neutral and non-polar, at codon 244 of the RUNX1 protein (p.Ala244Val). This variant is not present in population databases (gnomAD no frequency). This variant has not been reported in the literature in individuals affected with RUNX1-related conditions. ClinVar contains an entry for this variant (Variation ID: 1692648). Advanced modeling of protein sequence and biophysical properties (such as structural, functional, and spatial information, amino acid conservation, physicochemical variation, residue mobility, and thermodynamic stability) performed at Invitae indicates that this missense variant is not expected to disrupt RUNX1 protein function. In summary, the available evidence is currently insufficient to determine the role of this variant in disease. Therefore, it has been classified as a Variant of Uncertain Significance.

Sema4
Classification: Uncertain significance for Hereditary cancer-predisposing syndrome. Last evaluated: 2021-08-07. Review status: criteria provided, single submitter. Criteria: Sema4 Curation Guidelines. Collection method: curation. Allele origin: germline. Not counted in ClinVar's aggregate classification.
Comment: The RUNX1 c.731C>T (p.A244V) variant has not been reported in the literature to our knowledge. It was not observed in the large and broad cohorts of the Genome Aggregation Database (PMID: 32461654). The variant has not been reported in ClinVar. Functional studies have not been performed, and in silico predictions of the variant's effect on protein function are inconclusive. The evidence is insufficient to meet ACMG/AMP criteria for classifying the variant as benign or pathogenic. Thus, the clinical significance of this variant is currently uncertain.